The following is an entry in ClinVar:

NM_001190274.2(FBXO11):c.667C>G (p.Pro223Ala)

Gene: FBXO11 (F-box protein 11; minus strand). Cytogenetic location: 2p16.3.
Variant type: single nucleotide variant.
Coding change: c.667C>G on transcript NM_001190274.2 (MANE Select); coding-DNA position 667, C replaced by G.
Protein change: p.Pro223Ala; replaces proline 223 with alanine.
Molecular consequence: missense variant.
Genome position (GRCh38, 1-based): chr2:47,835,922, G>C on the plus strand (C>G on the coding strand, the complement: FBXO11 is on the minus strand). VCF-style: chr2-47835922-G-C. GRCh37 (hg19) VCF-style: chr2-48063061-G-C.
Other names: c.415C>G, p.Pro139Ala (NM_001374325.1, NM_025133.4); short protein forms P139A, P223A.
Identifiers: ClinVar variation 1997326 (VCV001997326.4), dbSNP rs2531222316, ClinGen allele CA346812261.
Genomic context (GRCh38, chr2:47,835,922, plus strand): 5'-TATTTCATACCAACTGCTGGAAACTCTCTTTCCAGGGATTTGGATGTTCATACTCTTCTG[G>C]ATTAATCTGGTAGAATTTTCCAGGTTCAGGATGCATCATAGGGCGAGTATATTCAAATAC-3'
Protein context (NP_001177203.1, residues 213-233): PEPGKFYQIN[Pro223Ala]EEYEHPNPWK

ClinVar aggregate classification (germline): Uncertain significance (1 of 4 stars; one submission).

Submission:

Labcorp Genetics (formerly Invitae), Labcorp
Classification: Uncertain significance. Last evaluated: 2026-01-19. Review status: criteria provided, single submitter. Criteria: Invitae Variant Classification Sherloc (09022015). Collection method: clinical testing. Allele origin: germline.
Comment: This sequence change replaces proline, which is neutral and non-polar, with alanine, which is neutral and non-polar, at codon 223 of the FBXO11 protein (p.Pro223Ala). This variant is not present in population databases (gnomAD no frequency). This variant has not been reported in the literature in individuals affected with FBXO11-related conditions. ClinVar contains an entry for this variant (Variation ID: 1997326). An algorithm developed to predict the effect of missense changes on protein structure and function (PolyPhen-2) suggests that this variant is likely to be tolerated. In summary, the available evidence is currently insufficient to determine the role of this variant in disease. Therefore, it has been classified as a Variant of Uncertain Significance.